The following is an entry in ClinVar:

NM_000397.4(CYBB):c.291T>G (p.Asn97Lys)

Gene: CYBB (cytochrome b-245 beta chain; plus strand). Cytogenetic location: Xp21.1.
Variant type: single nucleotide variant.
Coding change: c.291T>G on transcript NM_000397.4 (MANE Select); coding-DNA position 291, T replaced by G.
Protein change: p.Asn97Lys; replaces asparagine 97 with lysine.
Molecular consequence: missense variant.
Genome position (GRCh38, 1-based): chrX:37,792,013, T>G. VCF-style: chrX-37792013-T-G. GRCh37 (hg19) VCF-style: chrX-37651266-T-G.
Other names: short protein forms N97K.
Identifiers: ClinVar variation 1489172 (VCV001489172.9), dbSNP rs2146809294, ClinGen allele CA412974160.
Genomic context (GRCh38, chrX:37,792,013, plus strand): 5'-TTCTTTCCCCCTTAATCCAAAGTGCTGCTCAACAAGAGTTCGAAGACAACTGGACAGGAA[T>G]CTCACCTTTCATAAAATGGTGGCATGGATGATTGCACTTCACTCTGGTAAGTTTATTAAA-3'
Protein context (NP_000388.2, residues 87-107): STRVRRQLDR[Asn97Lys]LTFHKMVAWM

ClinVar aggregate classification (germline): Uncertain significance. Review status: criteria provided, multiple submitters, no conflicts (2 of 4 stars). 2 submissions from 2 submitters: Uncertain significance (2). Last evaluated 2024-03-01.

Conditions:
Granulomatous disease, chronic, X-linked. Also called: CYTOCHROME b-NEGATIVE GRANULOMATOUS DISEASE, CHRONIC, X-LINKED; GRANULOMATOUS DISEASE, CHRONIC, X-LINKED, SOMATIC MOSAIC. Identifiers: Orphanet 379, MedGen C1844376, MONDO:0010600, OMIM 306400.

Submissions (2):

Blueprint Genetics
Classification: Uncertain significance. Last evaluated: 2024-03-01. Review status: criteria provided, single submitter. Criteria: ACMG Guidelines, 2015. Collection method: clinical testing. Allele origin: germline.

Labcorp Genetics (formerly Invitae), Labcorp
Classification: Uncertain significance for Granulomatous disease, chronic, X-linked. Last evaluated: 2021-03-25. Review status: criteria provided, single submitter. Criteria: Invitae Variant Classification Sherloc (09022015). Collection method: clinical testing. Allele origin: germline.
Comment: In summary, the available evidence is currently insufficient to determine the role of this variant in disease. Therefore, it has been classified as a Variant of Uncertain Significance. Advanced modeling of protein sequence and biophysical properties (such as structural, functional, and spatial information, amino acid conservation, physicochemical variation, residue mobility, and thermodynamic stability) performed at Invitae indicates that this missense variant is expected to disrupt CYBB protein function. This variant is not present in population databases (ExAC no frequency). This sequence change replaces asparagine with lysine at codon 97 of the CYBB protein (p.Asn97Lys). The asparagine residue is highly conserved and there is a moderate physicochemical difference between asparagine and lysine.